The following is an entry in ClinVar:

ClinVar aggregate classification (germline): Uncertain significance (1 of 4 stars; one submission).

Allele frequency attached by ClinVar (database versions not stated): gnomAD 0.00001; TOPMed 0.00002.
gnomAD v4.1: 12 of 1,614,096 alleles (0.00074%); highest among the groups gnomAD compares: Non-Finnish European, 0.001%; no homozygotes.

Submission:

Labcorp Genetics (formerly Invitae), Labcorp
Classification: Uncertain significance. Last evaluated: 2025-10-21. Review status: criteria provided, single submitter. Criteria: Invitae Variant Classification Sherloc (09022015). Collection method: clinical testing. Allele origin: germline.
Comment: This sequence change replaces lysine, which is basic and polar, with glutamic acid, which is acidic and polar, at codon 1570 of the KIDINS220 protein (p.Lys1570Glu). This variant is present in population databases (rs779569943, gnomAD 0.0009%). This variant has not been reported in the literature in individuals affected with KIDINS220-related conditions. ClinVar contains an entry for this variant (Variation ID: 2993363). An algorithm developed to predict the effect of missense changes on protein structure and function (PolyPhen-2) suggests that this variant is likely to be tolerated. In summary, the available evidence is currently insufficient to determine the role of this variant in disease. Therefore, it has been classified as a Variant of Uncertain Significance.

NM_020738.4(KIDINS220):c.4708A>G (p.Lys1570Glu)

Gene: KIDINS220 (kinase D interacting substrate 220; minus strand). Cytogenetic location: 2p25.1.
Variant type: single nucleotide variant.
Coding change: c.4708A>G on transcript NM_020738.4 (MANE Select); coding-DNA position 4708, A replaced by G.
Protein change: p.Lys1570Glu; replaces lysine 1570 with glutamic acid.
Molecular consequence: missense variant. On other transcripts: intron variant (6).
Genome position (GRCh38, 1-based): chr2:8,731,328, T>C on the plus strand (A>G on the coding strand, the complement: KIDINS220 is on the minus strand). VCF-style: chr2-8731328-T-C. GRCh37 (hg19) VCF-style: chr2-8871458-T-C.
Other names: c.4711A>G, p.Lys1571Glu (NM_001348729.2); c.4654A>G, p.Lys1552Glu (NM_001348731.2); c.4651A>G, p.Lys1551Glu (NM_001348732.2); c.4540A>G, p.Lys1514Glu (NM_001348734.2); c.4537A>G, p.Lys1513Glu (NM_001348735.2); c.4411A>G, p.Lys1471Glu (NM_001348736.2); c.3882+2116A>G (NM_001348741.2, NM_001348742.2, NM_001348743.2); c.3996+2116A>G (NM_001348738.2); and 1 more; short protein forms K1471E, K1513E, K1551E, K1571E, K1514E, K1552E, K1570E.
Identifiers: ClinVar variation 2993363 (VCV002993363.3), dbSNP rs779569943, ClinGen allele CA1519324.
Genomic context (GRCh38, chr2:8,731,328, plus strand): 5'-ATCTCACTCCTGAATCCGATGAATCCTTTTTGTCAAGGAGCGCATCCGATAAATACTCTT[T>C]GGCTTTAATGAAGGTTCTGATCGGCTCAGCACTGTGTTCTGGAGACTTCGGCACTCTCTC-3'
Protein context (NP_065789.1, residues 1560-1580): AEPIRTFIKA[Lys1570Glu]EYLSDALLDK